The following is an entry in ClinVar:

NM_003482.4(KMT2D):c.14491A>C (p.Lys4831Gln)

Gene: KMT2D (lysine methyltransferase 2D; minus strand). Cytogenetic location: 12q13.12.
Variant type: single nucleotide variant.
Coding change: c.14491A>C on transcript NM_003482.4 (MANE Select); coding-DNA position 14491, A replaced by C.
Protein change: p.Lys4831Gln; replaces lysine 4831 with glutamine.
Molecular consequence: missense variant.
Genome position (GRCh38, 1-based): chr12:49,028,033, T>G on the plus strand (A>C on the coding strand, the complement: KMT2D is on the minus strand). VCF-style: chr12-49028033-T-G. GRCh37 (hg19) VCF-style: chr12-49421816-T-G.
Other names: short protein forms K4831Q.
Identifiers: ClinVar variation 2181851 (VCV002181851.5), dbSNP rs374825491, ClinGen allele CA6545731.
Genomic context (GRCh38, chr12:49,028,033, plus strand): 5'-CCCTCAAGTCCCAAAGGGCTTCCCTGCCACACTCACCAGGACCCTCAGCTTCCCCCTTCT[T>G]TGGCTCAGTGCCTGCCCGGGCGGGGCTCTCTGGGAACAGCACCTCATAGGAGTTGGGGAT-3'
Protein context (NP_003473.3, residues 4821-4841): ESPARAGTEP[Lys4831Gln]KGEAEGPGGK

ClinVar aggregate classification (germline): Conflicting classifications of pathogenicity. Review status: criteria provided, conflicting classifications (1 of 4 stars). 2 submissions from 2 submitters: Uncertain significance (1); Benign (1). Last evaluated 2025-05-13.

Conditions:
Kabuki syndrome. Also called: NIIKAWA-KUROKI SYNDROME; Kabuki make-up syndrome. Identifiers: Orphanet 2322, MedGen C0796004, MONDO:0016512.
KMT2D-related disorder. Also called: KMT2D-Related Disorders.

Allele frequency attached by ClinVar (database versions not stated): ExAC 0.00001; gnomAD exomes 0.00002; TOPMed 0.00002; gnomAD 0.00003; ESP Exome Variant Server 0.00008.
gnomAD v4.1: 34 of 1,612,994 alleles (0.0021%); highest among the groups gnomAD compares: Non-Finnish European, 0.0027%; no homozygotes.

Submissions (2):

Labcorp Genetics (formerly Invitae), Labcorp
Classification: Benign for Kabuki syndrome. Last evaluated: 2025-05-13. Review status: criteria provided, single submitter. Criteria: Invitae Variant Classification Sherloc (09022015). Collection method: clinical testing. Allele origin: germline.

PreventionGenetics, part of Exact Sciences
Classification: Uncertain significance for KMT2D-related condition. Last evaluated: 2023-06-22. Review status: criteria provided, single submitter. Criteria: ACMG Guidelines, 2015. Collection method: clinical testing. Allele origin: germline.
Comment: The KMT2D c.14491A>C variant is predicted to result in the amino acid substitution p.Lys4831Gln. To our knowledge, this variant has not been reported in the literature. This variant is reported in 0.0041% of alleles in individuals of African descent in gnomAD. At this time, the clinical significance of this variant is uncertain due to the absence of conclusive functional and genetic evidence.